The following is an entry in ClinVar:

ClinVar aggregate classification (germline): Likely pathogenic (1 of 4 stars; one submission).

Conditions:
Renal cell carcinoma. Identifiers: Orphanet 217071, MedGen C0007134, MeSH D002292, MONDO:0005086, HP:0005584.

Submission:

Dubai Health Genomic Medicine Center, Dubai Health
Classification: Likely pathogenic for Renal cell carcinoma. Last evaluated: 2024-10-04. Review status: criteria provided, single submitter. Criteria: ACMG Guidelines, 2015. Collection method: research. Allele origin: germline. Affected: yes.
Comment: PP1,PM3(moderate),PM2,PP3

NM_000245.4(MET):c.3503T>G (p.Phe1168Cys)

Gene: MET (MET proto-oncogene, receptor tyrosine kinase; plus strand). Cytogenetic location: 7q31.2.
Variant type: single nucleotide variant.
Coding change: c.3503T>G on transcript NM_000245.4 (MANE Select); coding-DNA position 3503, T replaced by G.
Protein change: p.Phe1168Cys; replaces phenylalanine 1168 with cysteine.
Molecular consequence: missense variant.
Genome position (GRCh38, 1-based): chr7:116,778,938, T>G. VCF-style: chr7-116778938-T-G. GRCh37 (hg19) VCF-style: chr7-116418992-T-G.
Other names: c.3557T>G, p.Phe1186Cys (NM_001127500.3); c.2213T>G, p.Phe738Cys (NM_001324402.2); short protein forms F1168C, F1186C, F738C.
Identifiers: ClinVar variation 3384110 (VCV003384110.1).